The following is an entry in ClinVar:

ClinVar aggregate classification (germline): Uncertain significance (1 of 4 stars; one submission).

Submission:

Labcorp Genetics (formerly Invitae), Labcorp
Classification: Uncertain significance. Last evaluated: 2021-12-13. Review status: criteria provided, single submitter. Criteria: Invitae Variant Classification Sherloc (09022015). Collection method: clinical testing. Allele origin: germline.
Comment: In summary, the available evidence is currently insufficient to determine the role of this variant in disease. Therefore, it has been classified as a Variant of Uncertain Significance. Algorithms developed to predict the effect of missense changes on protein structure and function are either unavailable or do not agree on the potential impact of this missense change (SIFT: "Deleterious"; PolyPhen-2: "Possibly Damaging"; Align-GVGD: "Class C0"). This variant has not been reported in the literature in individuals affected with SIX5-related conditions. This variant is not present in population databases (gnomAD no frequency). This sequence change replaces leucine, which is neutral and non-polar, with valine, which is neutral and non-polar, at codon 132 of the SIX5 protein (p.Leu132Val).

NM_175875.5(SIX5):c.394C>G (p.Leu132Val)

Genes: DM1-AS (DM1 locus antisense RNA; plus strand), SIX5 (SIX homeobox 5; minus strand), LOC107075317 (origin of replication in DMPK trinucleotide repeat region; plus strand). Cytogenetic location: 19q13.32.
Variant type: single nucleotide variant.
Coding change: c.394C>G on transcript NM_175875.5 (MANE Select); coding-DNA position 394, C replaced by G.
Protein change: p.Leu132Val; replaces leucine 132 with valine.
Molecular consequence: missense variant.
Genome position (GRCh38, 1-based): chr19:45,768,451, G>C on the plus strand (C>G on the coding strand, the complement: SIX5 is on the minus strand). VCF-style: chr19-45768451-G-C. GRCh37 (hg19) VCF-style: chr19-46271709-G-C.
Other names: short protein forms L132V.
Identifiers: ClinVar variation 2041874 (VCV002041874.4), dbSNP rs1246573350, ClinGen allele CA406423718.